The following is an entry in ClinVar:

ClinVar aggregate classification (germline): Uncertain significance. Review status: criteria provided, multiple submitters, no conflicts (2 of 4 stars). 3 submissions from 3 submitters: Uncertain significance (3). Last evaluated 2023-02-16.

Allele frequency attached by ClinVar (database versions not stated): ExAC 0.00002; gnomAD exomes 0.00002 and 0.00004; gnomAD 0.00006 and 0.00007; TOPMed 0.00006; ESP Exome Variant Server 0.00015.
gnomAD v4.1: 44 of 1,613,978 alleles (0.0027%); highest among the groups gnomAD compares: East Asian, 0.0089%; no homozygotes.

Submissions (3):

GeneDx
Classification: Uncertain significance. Last evaluated: 2023-02-16. Review status: criteria provided, single submitter. Criteria: GeneDx Variant Classification Process June 2021. Collection method: clinical testing. Allele origin: germline. Affected: yes.
Comment: Reported in an patient who underwent coronary bypass surgery but did not have evidence of dyslipidemia (Luttmann et al., 1994); In silico analysis supports that this missense variant does not alter protein structure/function; This variant is associated with the following publications: (PMID: 36618266, 7989867)

Labcorp Genetics (formerly Invitae), Labcorp
Classification: Uncertain significance. Last evaluated: 2022-01-26. Review status: criteria provided, single submitter. Criteria: Invitae Variant Classification Sherloc (09022015). Collection method: clinical testing. Allele origin: germline.
Comment: In summary, the available evidence is currently insufficient to determine the role of this variant in disease. Therefore, it has been classified as a Variant of Uncertain Significance. Algorithms developed to predict the effect of missense changes on protein structure and function output the following: SIFT: "Tolerated"; PolyPhen-2: "Possibly Damaging"; Align-GVGD: "Class C0". The asparagine amino acid residue is found in multiple mammalian species, which suggests that this missense change does not adversely affect protein function. This variant is also known as Asp45Asn. This missense change has been observed in individual(s) with elevated plasma total cholesterol and HDL cholesterol concentrations (PMID: 7989867). This variant is present in population databases (rs149707394, gnomAD 0.02%). This sequence change replaces aspartic acid, which is acidic and polar, with asparagine, which is neutral and polar, at codon 65 of the APOC3 protein (p.Asp65Asn).

Breakthrough Genomics
Classification: Uncertain significance. Review status: criteria provided, single submitter. Criteria: ACMG Guidelines, 2015. Collection method: not provided. Allele origin: germline. Inheritance: Unknown mechanism. Affected: yes.

Literature cited by the submitters: PubMed 7989867 (cited by Labcorp Genetics (formerly Invitae), Labcorp).

NM_000040.3(APOC3):c.193G>A (p.Asp65Asn)

Gene: APOC3 (apolipoprotein C3; plus strand). Cytogenetic location: 11q23.3.
Variant type: single nucleotide variant.
Coding change: c.193G>A on transcript NM_000040.3 (MANE Select); coding-DNA position 193, G replaced by A.
Protein change: p.Asp65Asn; replaces aspartic acid 65 with asparagine.
Molecular consequence: missense variant.
Genome position (GRCh38, 1-based): chr11:116,832,777, G>A. VCF-style: chr11-116832777-G-A. GRCh37 (hg19) VCF-style: chr11-116703493-G-A.
Other names: c.193G>A (NM_000040.1); short protein forms D65N.
Identifiers: ClinVar variation 1473970 (VCV001473970.8), dbSNP rs149707394, ClinGen allele CA6289685.